The following is an entry in ClinVar:

NM_001098484.3(SLC4A4):c.1170G>C (p.Arg390Ser)

Gene: SLC4A4 (solute carrier family 4 member 4; plus strand). Cytogenetic location: 4q13.3.
Variant type: single nucleotide variant.
Coding change: c.1170G>C on transcript NM_001098484.3 (MANE Select); coding-DNA position 1170, G replaced by C.
Protein change: p.Arg390Ser; replaces arginine 390 with serine.
Molecular consequence: missense variant.
Genome position (GRCh38, 1-based): chr4:71,450,505, G>C. VCF-style: chr4-71450505-G-C. GRCh37 (hg19) VCF-style: chr4-72316222-G-C.
Other names: c.1170G>C, p.Arg390Ser (NM_001134742.2); c.1038G>C, p.Arg346Ser (NM_003759.4); short protein forms R346S, R390S.
Identifiers: ClinVar variation 2576556 (VCV002576556.2), dbSNP rs778804628, ClinGen allele CA357418138.

ClinVar aggregate classification (germline): Likely pathogenic (1 of 4 stars; one submission).

Conditions:
Autosomal recessive proximal renal tubular acidosis (PRTAO). Also called: RENAL TUBULAR ACIDOSIS, PROXIMAL, WITH OCULAR ABNORMALITIES AND MENTAL RETARDATION; PROXIMAL RENAL TUBULAR ACIDOSIS-OCULAR ANOMALY SYNDROME; RENAL TUBULAR ACIDOSIS, PROXIMAL, WITH OCULAR ABNORMALITIES AND IMPAIRED INTELLECTUAL DEVELOPMENT; RTA, PROXIMAL, AUTOSOMAL RECESSIVE. Identifiers: Orphanet 93607, MedGen C1970309, MONDO:0011422, OMIM 604278.

Submission:

Institute of Human Genetics, University of Leipzig Medical Center
Classification: Likely pathogenic for Autosomal recessive proximal renal tubular acidosis. Last evaluated: 2023-06-20. Review status: criteria provided, single submitter. Criteria: ACMG Guidelines, 2015. Collection method: clinical testing. Allele origin: inherited. Inheritance: Autosomal recessive inheritance. Affected: yes.
Comment: Criteria applied: PM2_SUP,PM3_SUP,PP2,PP3,PP4, PP1_MOD